The following is an entry in ClinVar:

ClinVar aggregate classification (germline): Conflicting classifications of pathogenicity. Review status: criteria provided, conflicting classifications (1 of 4 stars). 2 submissions from 2 submitters: Uncertain significance (1); Benign (1). Last evaluated 2025-07-29.

Conditions:
Hereditary cancer-predisposing syndrome. Also called: Tumor predisposition; Hereditary neoplastic syndrome; Neoplastic Syndromes, Hereditary; Hereditary Cancer Syndrome. Identifiers: Orphanet 140162, MedGen C0027672, MeSH D009386, MONDO:0015356.
Gastrointestinal stromal tumor. Also called: Gastrointestinal stroma tumor; Gastrointestinal stromal tumor, somatic. Identifiers: Orphanet 44890, MedGen C0238198, MeSH D046152, MONDO:0011719, OMIM 606764, HP:0100723.

Allele frequency attached by ClinVar (database versions not stated): gnomAD below 0.00001 and 0.00002; gnomAD exomes 0.00002 and 0.00005; ExAC 0.00005; 1000 Genomes Project 30x 0.00016; 1000 Genomes Project 0.00020.
gnomAD v4.1: 36 of 1,613,678 alleles (0.0022%); highest among the groups gnomAD compares: South Asian, 0.04%; 1 homozygote.

Submissions (2):

Labcorp Genetics (formerly Invitae), Labcorp
Classification: Uncertain significance for Gastrointestinal stromal tumor. Last evaluated: 2025-07-29. Review status: criteria provided, single submitter. Criteria: Invitae Variant Classification Sherloc (09022015). Collection method: clinical testing. Allele origin: germline.
Comment: This sequence change falls in intron 4 of the KIT gene. It does not directly change the encoded amino acid sequence of the KIT protein. It affects a nucleotide within the consensus splice site. This variant is present in population databases (rs534201005, gnomAD 0.04%). This variant has not been reported in the literature in individuals affected with KIT-related conditions. ClinVar contains an entry for this variant (Variation ID: 458967). Variants that disrupt the consensus splice site are a relatively common cause of aberrant splicing (PMID: 17576681, 9536098). Algorithms developed to predict the effect of sequence changes on RNA splicing suggest that this variant is not likely to affect RNA splicing. In summary, the available evidence is currently insufficient to determine the role of this variant in disease. Therefore, it has been classified as a Variant of Uncertain Significance.

Ambry Genetics
Classification: Benign for Hereditary cancer-predisposing syndrome. Last evaluated: 2024-10-28. Review status: criteria provided, single submitter. Criteria: Ambry Variant Classification Scheme 2023. Collection method: clinical testing. Allele origin: germline.

Literature cited by the submitters: PubMed 17576681 (cited by Labcorp Genetics (formerly Invitae), Labcorp); PubMed 9536098 (cited by Labcorp Genetics (formerly Invitae), Labcorp).

NM_000222.3(KIT):c.756+3G>A

Gene: KIT (KIT proto-oncogene, receptor tyrosine kinase; plus strand). Cytogenetic location: 4q12.
Variant type: single nucleotide variant.
Coding change: c.756+3G>A on transcript NM_000222.3 (MANE Select); 3 bases into the intron after coding-DNA position 756, G replaced by A.
Molecular consequence: intron variant.
Genome position (GRCh38, 1-based): chr4:54,699,769, G>A. VCF-style: chr4-54699769-G-A. GRCh37 (hg19) VCF-style: chr4-55565935-G-A.
Other names: c.756+3G>A (NM_001385284.1, NM_001385290.1, NM_001385288.1 and 4 more transcripts).
Identifiers: ClinVar variation 458967 (VCV000458967.8), dbSNP rs534201005, ClinGen allele CA2923304.